The following is an entry in ClinVar:

ClinVar aggregate classification (germline): Uncertain significance (1 of 4 stars; one submission).

Conditions:
Developmental and epileptic encephalopathy, 41 (DEE41). Also called: Epileptic encephalopathy, early infantile, 41. Identifiers: MedGen C4310717, MONDO:0014916, OMIM 617105.

Submission:

3billion
Classification: Uncertain significance for Developmental and epileptic encephalopathy, 41. Last evaluated: 2023-02-23. Review status: criteria provided, single submitter. Criteria: ACMG Guidelines, 2015. Collection method: clinical testing. Allele origin: unknown. Affected: yes.
Comment: The variant is not observed in the gnomAD v2.1.1 dataset. Missense changes are a common disease-causing mechanism. In silico tool predictions suggest damaging effect of the variant on gene or gene product (REVEL: 0.83; 3Cnet: 0.30). This variant is classified as VUS according to the recommendation of ACMG/AMP guideline.

NM_004171.4(SLC1A2):c.257T>A (p.Met86Lys)

Gene: SLC1A2 (solute carrier family 1 member 2; minus strand). Cytogenetic location: 11p13.
Variant type: single nucleotide variant.
Coding change: c.257T>A on transcript NM_004171.4 (MANE Select); coding-DNA position 257, T replaced by A.
Protein change: p.Met86Lys; replaces methionine 86 with lysine.
Molecular consequence: missense variant.
Genome position (GRCh38, 1-based): chr11:35,315,076, A>T on the plus strand (T>A on the coding strand, the complement: SLC1A2 is on the minus strand). VCF-style: chr11-35315076-A-T. GRCh37 (hg19) VCF-style: chr11-35336623-A-T.
Other names: c.230T>A, p.Met77Lys (NM_001195728.3, NM_001252652.2); short protein forms M77K, M86K.
Identifiers: ClinVar variation 2444179 (VCV002444179.1), dbSNP rs2497922400, ClinGen allele CA380130506.